The following is an entry in ClinVar:

ClinVar aggregate classification (germline): Pathogenic (1 of 4 stars; one submission).

Submission:

Labcorp Genetics (formerly Invitae), Labcorp
Classification: Pathogenic. Last evaluated: 2022-05-12. Review status: criteria provided, single submitter. Criteria: Invitae Variant Classification Sherloc (09022015). Collection method: clinical testing. Allele origin: germline.
Comment: This variant has not been reported in the literature in individuals affected with POLE-related conditions. This variant is not present in population databases (gnomAD no frequency). This sequence change creates a premature translational stop signal (p.His1895Glnfs*8) in the POLE gene. It is expected to result in an absent or disrupted protein product. Loss-of-function variants in POLE are known to be pathogenic (PMID: 23230001, 25948378, 30503519). For these reasons, this variant has been classified as Pathogenic.

Literature cited by the submitters: PubMed 23230001; PubMed 25948378; PubMed 30503519.

NM_006231.4(POLE):c.5685_5688del (p.His1895fs)

Gene: POLE (DNA polymerase epsilon, catalytic subunit; minus strand). Cytogenetic location: 12q24.33.
Variant type: Deletion.
Coding change: c.5685_5688del on transcript NM_006231.4 (MANE Select); coding-DNA positions 5685 to 5688, 4 bases deleted (TTCA; older notation c.5685_5688delTTCA).
Protein change: p.His1895fs; shifts the reading frame from histidine 1895.
Molecular consequence: frameshift variant.
Genome position (GRCh38, 1-based): chr12:132,636,015-132,636,018, TGAA deleted on the plus strand (TTCA on the coding strand, the reverse complement: POLE is on the minus strand); deleting any 4 consecutive bases within chr12:132,636,015-132,636,020 gives the same sequence; the c. name uses the placement nearest the transcript's 3' end. VCF-style (leftmost placement, unchanged base first): chr12-132636014-TTGAA-T. GRCh37 (hg19) VCF-style: chr12-133212600-TTGAA-T.
Other names: short protein forms H1895fs.
Identifiers: ClinVar variation 1476732 (VCV001476732.6), dbSNP rs2138487274, ClinGen allele CA2573148324.